The following is an entry in ClinVar:

ClinVar aggregate classification (germline): Conflicting classifications of pathogenicity. Review status: criteria provided, conflicting classifications (1 of 4 stars). 6 submissions from 6 submitters: Pathogenic (1); Likely pathogenic (2); Uncertain significance (3). Last evaluated 2026-04-10.

Conditions:
Malaria, susceptibility to. Identifiers: Orphanet 673, MedGen C1970028, MONDO:0021024, OMIM 611162.
Anemia, nonspherocytic hemolytic, due to G6PD deficiency (CNSHA1). Also called: ANEMIA, CONGENITAL, NONSPHEROCYTIC HEMOLYTIC, 1; Hemolytic anemia due to G6PD deficiency; Class I glucose-6-phosphate dehydrogenase deficiency; Favism, susceptibility to. Identifiers: Orphanet 466026, MedGen C2720289, MONDO:0010480, OMIM 300908.
G6PD-related disorder. Also called: G6PD-related condition.

Allele frequency attached by ClinVar (database versions not stated): gnomAD exomes below 0.00001 and 0.00002; TOPMed below 0.00001; ExAC 0.00001; gnomAD 0.00002.
gnomAD v4.1: 7 of 1,210,353 alleles (0.00058%); highest among the groups gnomAD compares: East Asian, 0.018%; no homozygotes.

Submissions (6):

PreventionGenetics, part of Exact Sciences
Classification: Uncertain significance for G6PD-related condition. Last evaluated: 2026-04-10. Review status: criteria provided, single submitter. Criteria: ACMG Guidelines, 2015. Collection method: clinical testing. Allele origin: germline.
Comment: The G6PD c.703C>T variant is predicted to result in the amino acid substitution p.Leu235Phe. This variant has been reported in an individual with glucose-6-phosphate dehydrogenase deficiency (Yan et al. 2006. PubMed ID: 17018380). This variant is present in 0.034% of alleles in individuals of East Asian descent in gnomAD, including 2 hemizygotes. This variant has conflicting classifications in ClinVar ranging from uncertain to pathogenic (Variation ID: 1685832), and a meta-analysis of G6PD variants has classified this variant as likely pathogenic (Table S4, Geck et al. 2023. PubMed ID: 36681081). At this time, the clinical significance of this variant is uncertain due to the absence of conclusive functional and genetic evidence.

Labcorp Genetics (formerly Invitae), Labcorp
Classification: Uncertain significance for Anemia, nonspherocytic hemolytic, due to G6PD deficiency. Last evaluated: 2025-01-29. Review status: criteria provided, single submitter. Criteria: Invitae Variant Classification Sherloc (09022015). Collection method: clinical testing. Allele origin: germline.
Comment: This sequence change replaces leucine, which is neutral and non-polar, with phenylalanine, which is neutral and non-polar, at codon 235 of the G6PD protein (p.Leu235Phe). This variant is present in population databases (rs782757170, gnomAD 0.03%). This variant has not been reported in the literature in individuals affected with G6PD-related conditions. ClinVar contains an entry for this variant (Variation ID: 1685832). Invitae Evidence Modeling of protein sequence and biophysical properties (such as structural, functional, and spatial information, amino acid conservation, physicochemical variation, residue mobility, and thermodynamic stability) has been performed for this missense variant. However, the output from this modeling did not meet the statistical confidence thresholds required to predict the impact of this variant on G6PD protein function. In summary, the available evidence is currently insufficient to determine the role of this variant in disease. Therefore, it has been classified as a Variant of Uncertain Significance.

Women's Health and Genetics/Laboratory Corporation of America, LabCorp
Classification: Uncertain significance. Last evaluated: 2023-05-17. Review status: criteria provided, single submitter. Criteria: LabCorp Variant Classification Summary - May 2015. Collection method: clinical testing. Allele origin: germline.
Comment: Variant summary: G6PD c.793C>T (p.Leu265Phe) results in a non-conservative amino acid change located in the Glucose-6-phosphate dehydrogenase, C-terminal (IPR022675) of the encoded protein sequence. Three of five in-silico tools predict a damaging effect of the variant on protein function. The variant allele was found at a frequency of 2.4e-05 in 205125 control chromosomes, including two hemizygotes in gnomAD database. The available data on variant occurrences in the general population are insufficient to allow any conclusion about variant significance. c.793C>T has been reported in the literature in an individual (hemizygote) affected with Glucose 6 Phosphate Dehydrogenase Deficiency (example: Yan_2006). These data do not allow any conclusion about variant significance. To our knowledge, no experimental evidence demonstrating an impact on protein function has been reported. The following publications have been ascertained in the context of this evaluation (PMID: 36315991, 17018380). Two clinical diagnostic laboratories have submitted clinical-significance assessments for this variant to ClinVar after 2014 and classified the variant as pathogenic/likely pathogenic. Based on the evidence outlined above, the variant was classified as uncertain significance.

Dunham Lab, University of Washington
Classification: Likely pathogenic for Anemia, nonspherocytic hemolytic, due to G6PD deficiency. Last evaluated: 2022-08-12. Review status: criteria provided, single submitter. Criteria: Bayesian ACMG Guidelines, 2018. Collection method: curation. Allele origin: unknown. Affected: yes.
Comment: Decreased activity in red blood cells (PS3). Below expected carrier frequency in gnomAD (PM2). Interpreted as pathogenic by Mendelics (PP5). Post_P 0.975 (odds of pathogenicity 350.3, Prior_P 0.1).

Mendelics
Classification: Pathogenic for Anemia, nonspherocytic hemolytic, due to G6PD deficiency. Last evaluated: 2022-05-04. Review status: criteria provided, single submitter. Criteria: Mendelics Assertion Criteria 2019. Collection method: clinical testing. Allele origin: germline.

Juno Genomics, Hangzhou Juno Genomics, Inc
Classification: Likely pathogenic for Malaria, susceptibility to; Anemia, nonspherocytic hemolytic, due to G6PD deficiency. Review status: criteria provided, single submitter. Criteria: ACMG Guidelines, 2015. Collection method: clinical testing. Allele origin: germline.
Comment: Absent from controls (or at extremely low frequency if recessive) in Genome Aggregation Database.;The prevalence of the variant in affected individuals is significantly increased compared to the prevalence in controls.;For recessive disorders, detected in trans with a pathogenic variant.;Patient's phenotype or family history is highly specific for a disease with a single genetic etiology.;Well-established in vitro or in vivo functional studies supportive of a damaging effect on the gene or gene product.

Literature cited by the submitters: PubMed 36315991 (cited by Women's Health and Genetics/Laboratory Corporation of America, LabCorp); PubMed 17018380 (cited by Women's Health and Genetics/Laboratory Corporation of America, LabCorp and Dunham Lab, University of Washington).

NM_001360016.2(G6PD):c.703C>T (p.Leu235Phe)

Gene: G6PD (glucose-6-phosphate dehydrogenase; minus strand). Cytogenetic location: Xq28.
Variant type: single nucleotide variant.
Coding change: c.703C>T on transcript NM_001360016.2 (MANE Select); coding-DNA position 703, C replaced by T.
Protein change: p.Leu235Phe; replaces leucine 235 with phenylalanine.
Molecular consequence: missense variant.
Genome position (GRCh38, 1-based): chrX:154,534,102, G>A on the plus strand (C>T on the coding strand, the complement: G6PD is on the minus strand). VCF-style: chrX-154534102-G-A. GRCh37 (hg19) VCF-style: chrX-153762317-G-A.
Other names: G6PD Nanning; c.793C>T, p.Leu265Phe (NM_000402.4); c.703C>T, p.Leu235Phe (NM_001042351.3); c.703C>T (NM_001042351.2); short protein forms L235F, L265F.
Identifiers: ClinVar variation 1685832 (VCV001685832.9), dbSNP rs782757170, ClinGen allele CA10566179.